The following is an entry in ClinVar:

ClinVar aggregate classification (germline): Uncertain significance (1 of 4 stars; one submission).

Submission:

GeneDx
Classification: Uncertain significance. Last evaluated: 2021-05-18. Review status: criteria provided, single submitter. Criteria: GeneDx Variant Classification Process June 2021. Collection method: clinical testing. Allele origin: germline. Affected: yes.
Comment: Not observed in large population cohorts (Lek et al., 2016); Frameshift variant predicted to result in protein truncation as the last 64 amino acids are replaced with 24 different amino acids, although loss-of-function variants have not been reported downstream of this position in the protein; Has not been previously published as pathogenic or benign to our knowledge; Variants in candidate genes are classified as variants of uncertain significance in accordance with ACMG guidelines (Richards et al., 2015)

NM_015898.4(ZBTB7A):c.1551_1584del (p.Pro521fs)

Gene: ZBTB7A (zinc finger and BTB domain containing 7A; minus strand). Cytogenetic location: 19p13.3.
Variant type: Deletion.
Coding change: c.1551_1584del on transcript NM_015898.4 (MANE Select); coding-DNA positions 1551 to 1584, 34 bases deleted.
Protein change: p.Pro521fs; shifts the reading frame from proline 521.
Molecular consequence: frameshift variant.
Genome position (GRCh38, 1-based): chr19:4,047,923-4,047,956, 34 bases deleted; deleting any 34 consecutive bases within chr19:4,047,923-4,047,960 gives the same sequence; the c. name uses the placement nearest the transcript's 3' end. GRCh37 (hg19): chr19:4,047,925-4,047,958.
Other names: c.1551_1584del, p.Pro521fs (NM_001317990.2); short protein forms P521fs.
Identifiers: ClinVar variation 1329684 (VCV001329684.2), dbSNP rs2144972745, ClinGen allele CA2573054766.